The following is an entry in ClinVar:

NM_025137.4(SPG11):c.4435-3C>T

Gene: SPG11 (SPG11 vesicle trafficking associated, spatacsin; minus strand). Cytogenetic location: 15q21.1.
Variant type: single nucleotide variant.
Coding change: c.4435-3C>T on transcript NM_025137.4 (MANE Select); 3 bases into the intron before coding-DNA position 4435, C replaced by T.
Molecular consequence: intron variant.
Genome position (GRCh38, 1-based): chr15:44,595,462, G>A on the plus strand (C>T on the coding strand, the complement: SPG11 is on the minus strand). VCF-style: chr15-44595462-G-A. GRCh37 (hg19) VCF-style: chr15-44887660-G-A.
Other names: c.4435-3C>T (NM_001160227.2).
Identifiers: ClinVar variation 466531 (VCV000466531.6), dbSNP rs1555450826, ClinGen allele CA658658291.

ClinVar aggregate classification (germline): Uncertain significance (1 of 4 stars; one submission).

Conditions:
Hereditary spastic paraplegia 11. Also called: SPASTIC PARAPLEGIA, AUTOSOMAL RECESSIVE, COMPLICATED, WITH THIN CORPUS CALLOSUM; SPASTIC PARAPLEGIA, AUTOSOMAL RECESSIVE, WITH MENTAL IMPAIRMENT AND THIN CORPUS CALLOSUM; Nakamura Osame syndrome; Autosomal recessive hereditary spastic paraplegia, mental impairment, and thin corpus callosum; Spastic paraplegia, mental retardation and thin corpus callosum; Spastic Paraplegia 11. Identifiers: Orphanet 2822, MedGen C1858479, MONDO:0011445, OMIM 604360.

gnomAD v4.1: 2 of 1,613,924 alleles (0.00012%); highest among the groups gnomAD compares: Non-Finnish European, 0.00017%; no homozygotes.

Submission:

Labcorp Genetics (formerly Invitae), Labcorp
Classification: Uncertain significance for Hereditary spastic paraplegia 11. Last evaluated: 2021-09-01. Review status: criteria provided, single submitter. Criteria: Invitae Variant Classification Sherloc (09022015). Collection method: clinical testing. Allele origin: germline.
Comment: This sequence change falls in intron 25 of the SPG11 gene. It does not directly change the encoded amino acid sequence of the SPG11 protein. It affects a nucleotide within the consensus splice site of the intron. This variant is not present in population databases (ExAC no frequency). This variant has not been reported in the literature in individuals affected with SPG11-related conditions. Variants that disrupt the consensus splice site are a relatively common cause of aberrant splicing (PMID: 17576681, 9536098). Algorithms developed to predict the effect of sequence changes on RNA splicing suggest that this variant may create or strengthen a splice site. In summary, the available evidence is currently insufficient to determine the role of this variant in disease. Therefore, it has been classified as a Variant of Uncertain Significance.

Literature cited by the submitters: PubMed 17576681; PubMed 9536098.